The following is an entry in ClinVar:

NM_000214.3(JAG1):c.386C>A (p.Pro129Gln)

Gene: JAG1 (jagged canonical Notch ligand 1; minus strand). Cytogenetic location: 20p12.2.
Variant type: single nucleotide variant.
Coding change: c.386C>A on transcript NM_000214.3 (MANE Select); coding-DNA position 386, C replaced by A.
Protein change: p.Pro129Gln; replaces proline 129 with glutamine.
Molecular consequence: missense variant.
Genome position (GRCh38, 1-based): chr20:10,672,702, G>T on the plus strand (C>A on the coding strand, the complement: JAG1 is on the minus strand). VCF-style: chr20-10672702-G-T. GRCh37 (hg19) VCF-style: chr20-10653350-G-T.
Other names: short protein forms P129Q.
Identifiers: ClinVar variation 3573285 (VCV003573285.2).
Genomic context (GRCh38, chr20:10,672,702, plus strand): 5'-GGCTCGGCCAGGCGCGGGTGTGAGGCTCCGCCCGGCCTCCTTCCCGAGTAGTCACTCACC[G>T]GCCAGGCGAAACTGAAAGGCAGCACGATGCGGTTGCGGTCGTTGCCGCGGCTGGCCTTGA-3'
Protein context (NP_000205.1, residues 119-139): RIVLPFSFAW[Pro129Gln]RSYTLLVEAW

Conditions:
Arteriohepatic dysplasia. Also called: Alagille Syndrome. Identifiers: Orphanet 52, MedGen C0085280, MeSH D016738, MONDO:0007318.

Submission:

Gilbert/Spinner Lab, Children's Hospital of Philadelphia
No classification provided (evidence only). Condition: Alagille syndrome. Review status: no classification provided. Collection method: research. Allele origin: not applicable. Functional consequence: functionally_abnormal.
ClinVar note: "not provided" was previously submitted as the classification for the variant. However, the classification appeared to be based only on an observation of functional data so it was converted to no classification on 2025-07-30.